The following is an entry in ClinVar:

NM_033305.3(VPS13A):c.398C>T (p.Pro133Leu)

Gene: VPS13A (vacuolar protein sorting 13 homolog A; plus strand). Cytogenetic location: 9q21.2.
Variant type: single nucleotide variant.
Coding change: c.398C>T on transcript NM_033305.3 (MANE Select); coding-DNA position 398, C replaced by T.
Protein change: p.Pro133Leu; replaces proline 133 with leucine.
Molecular consequence: missense variant.
Genome position (GRCh38, 1-based): chr9:77,209,435, C>T. VCF-style: chr9-77209435-C-T. GRCh37 (hg19) VCF-style: chr9-79824351-C-T.
Other names: c.398C>T, p.Pro133Leu (NM_001018037.2, NM_001018038.3, NM_015186.4); short protein forms P133L.
Identifiers: ClinVar variation 448860 (VCV000448860.5), dbSNP rs202090510, ClinGen allele CA5091344.

ClinVar aggregate classification (germline): Uncertain significance. Review status: criteria provided, multiple submitters, no conflicts (2 of 4 stars). 4 submissions from 4 submitters: Uncertain significance (4). Last evaluated 2024-11-01.

Allele frequency attached by ClinVar (database versions not stated): gnomAD 0.00009 and 0.00011; ESP Exome Variant Server 0.00015; TOPMed 0.00017; 1000 Genomes Project 0.00020; gnomAD exomes 0.00023 and 0.00028; 1000 Genomes Project 30x 0.00031; ExAC 0.00039.
gnomAD v4.1: 355 of 1,610,904 alleles (0.022%); highest among the groups gnomAD compares: Admixed American, 0.065%; 1 homozygote.

Submissions (4):

Women's Health and Genetics/Laboratory Corporation of America, LabCorp
Classification: Uncertain significance. Last evaluated: 2024-11-01. Review status: criteria provided, single submitter. Criteria: LabCorp Variant Classification Summary - May 2015. Collection method: clinical testing. Allele origin: germline.
Comment: Variant summary: VPS13A c.398C>T (p.Pro133Leu) results in a non-conservative amino acid change in the encoded protein sequence. Four of five in-silico tools predict a benign effect of the variant on protein function. The variant allele was found at a frequency of 0.00028 in 249580 control chromosomes. This frequency is not significantly higher than estimated for a pathogenic variant in VPS13A causing Choreoacanthocytosis (0.00028 vs 0.0011), allowing no conclusion about variant significance. To our knowledge, no occurrence of c.398C>T in individuals affected with Choreoacanthocytosis and no experimental evidence demonstrating its impact on protein function have been reported. ClinVar contains an entry for this variant (Variation ID: 448860). Based on the evidence outlined above, the variant was classified as uncertain significance.

Blueprint Genetics
Classification: Uncertain significance. Last evaluated: 2024-09-17. Review status: criteria provided, single submitter. Criteria: ACMG Guidelines, 2015. Collection method: clinical testing. Allele origin: germline.

Labcorp Genetics (formerly Invitae), Labcorp
Classification: Uncertain significance. Last evaluated: 2022-08-20. Review status: criteria provided, single submitter. Criteria: Invitae Variant Classification Sherloc (09022015). Collection method: clinical testing. Allele origin: germline.
Comment: This sequence change replaces proline, which is neutral and non-polar, with leucine, which is neutral and non-polar, at codon 133 of the VPS13A protein (p.Pro133Leu). This variant is present in population databases (rs202090510, gnomAD 0.06%). This variant has not been reported in the literature in individuals affected with VPS13A-related conditions. ClinVar contains an entry for this variant (Variation ID: 448860). Algorithms developed to predict the effect of missense changes on protein structure and function (SIFT, PolyPhen-2, Align-GVGD) all suggest that this variant is likely to be tolerated. In summary, the available evidence is currently insufficient to determine the role of this variant in disease. Therefore, it has been classified as a Variant of Uncertain Significance.

Athena Diagnostics
Classification: Uncertain significance. Last evaluated: 2017-02-07. Review status: criteria provided, single submitter. Criteria: Athena Diagnostics Criteria. Collection method: clinical testing. Allele origin: germline.